The following is an entry in ClinVar:

NM_000270.4(PNP):c.190C>A (p.His64Asn)

Gene: PNP (purine nucleoside phosphorylase; plus strand). Cytogenetic location: 14q11.2.
Variant type: single nucleotide variant.
Coding change: c.190C>A on transcript NM_000270.4 (MANE Select); coding-DNA position 190, C replaced by A.
Protein change: p.His64Asn; replaces histidine 64 with asparagine.
Molecular consequence: missense variant.
Genome position (GRCh38, 1-based): chr14:20,474,480, C>A. VCF-style: chr14-20474480-C-A. GRCh37 (hg19) VCF-style: chr14-20942639-C-A.
Other names: short protein forms H64N.
Identifiers: ClinVar variation 1010076 (VCV001010076.8), dbSNP rs1026923679, ClinGen allele CA257417894.

ClinVar aggregate classification (germline): Uncertain significance (1 of 4 stars; one submission).

Conditions:
Purine-nucleoside phosphorylase deficiency. Also called: Immunodeficiency due to purine nucleoside phosphorylase deficiency; NUCLEOSIDE PHOSPHORYLASE DEFICIENCY. Identifiers: Orphanet 760, MedGen C0268125, MONDO:0013171, OMIM 613179.

Allele frequency attached by ClinVar (database versions not stated): gnomAD exomes below 0.00001.
gnomAD v4.1: 3 of 1,613,916 alleles (0.00019%); highest among the groups gnomAD compares: South Asian, 0.0022%; no homozygotes.

Submission:

Labcorp Genetics (formerly Invitae), Labcorp
Classification: Uncertain significance for Purine-nucleoside phosphorylase deficiency. Last evaluated: 2024-10-15. Review status: criteria provided, single submitter. Criteria: Invitae Variant Classification Sherloc (09022015). Collection method: clinical testing. Allele origin: germline.
Comment: This sequence change replaces histidine, which is basic and polar, with asparagine, which is neutral and polar, at codon 64 of the PNP protein (p.His64Asn). This variant is present in population databases (no rsID available, gnomAD 0.003%). This variant has not been reported in the literature in individuals affected with PNP-related conditions. ClinVar contains an entry for this variant (Variation ID: 1010076). An algorithm developed to predict the effect of missense changes on protein structure and function (PolyPhen-2) suggests that this variant is likely to be disruptive. In summary, the available evidence is currently insufficient to determine the role of this variant in disease. Therefore, it has been classified as a Variant of Uncertain Significance.